The following is an entry in ClinVar:

ClinVar aggregate classification (germline): Uncertain significance (1 of 4 stars; one submission).

Conditions:
Periodic fever-infantile enterocolitis-autoinflammatory syndrome. Also called: Autoinflammation with infantile enterocolitis. Identifiers: Orphanet 436166, MedGen C4015067, MONDO:0014472, OMIM 616050.
Familial cold autoinflammatory syndrome 4 (FCAS4). Identifiers: Orphanet 47045, Orphanet 576349, MedGen C4015276, MONDO:0014498, OMIM 616115.

Allele frequency attached by ClinVar (database versions not stated): gnomAD 0.00001.

Submission:

Labcorp Genetics (formerly Invitae), Labcorp
Classification: Uncertain significance for Periodic fever-infantile enterocolitis-autoinflammatory syndrome; Familial cold autoinflammatory syndrome 4. Last evaluated: 2024-06-09. Review status: criteria provided, single submitter. Criteria: Invitae Variant Classification Sherloc (09022015). Collection method: clinical testing. Allele origin: germline.
Comment: This sequence change replaces serine, which is neutral and polar, with leucine, which is neutral and non-polar, at codon 569 of the NLRC4 protein (p.Ser569Leu). This variant is not present in population databases (gnomAD no frequency). This variant has not been reported in the literature in individuals affected with NLRC4-related conditions. Advanced modeling of protein sequence and biophysical properties (such as structural, functional, and spatial information, amino acid conservation, physicochemical variation, residue mobility, and thermodynamic stability) performed at Invitae indicates that this missense variant is expected to disrupt NLRC4 protein function with a positive predictive value of 80%. In summary, the available evidence is currently insufficient to determine the role of this variant in disease. Therefore, it has been classified as a Variant of Uncertain Significance.

NM_001199138.2(NLRC4):c.1706C>T (p.Ser569Leu)

Gene: NLRC4 (NLR family CARD domain containing 4; minus strand). Cytogenetic location: 2p22.3.
Variant type: single nucleotide variant.
Coding change: c.1706C>T on transcript NM_001199138.2 (MANE Select); coding-DNA position 1706, C replaced by T.
Protein change: p.Ser569Leu; replaces serine 569 with leucine.
Molecular consequence: missense variant. On other transcripts: intron variant (1).
Genome position (GRCh38, 1-based): chr2:32,250,158, G>A on the plus strand (C>T on the coding strand, the complement: NLRC4 is on the minus strand). VCF-style: chr2-32250158-G-A. GRCh37 (hg19) VCF-style: chr2-32475227-G-A.
Other names: c.1706C>T, p.Ser569Leu (NM_001199139.2, NM_021209.5); c.262+2261C>T (NM_001302504.1); short protein forms S569L.
Identifiers: ClinVar variation 2939566 (VCV002939566.3), dbSNP rs1687035670, ClinGen allele CA346511881.
Genomic context (GRCh38, chr2:32,250,158, plus strand): 5'-CCTGAGTTGATATATAAGCTTTTACCTTGAAAGAAAGCTTCAAATTCTTGGCTCAGGGCT[G>A]ATTTGGATGTACTCTCTTGATATAAATGGATGCCACACTCTACAAAGGAATTGATGTTTA-3'
Protein context (NP_001186067.1, residues 559-579): IHLYQESTSK[Ser569Leu]ALSQEFEAFF